The following is an entry in ClinVar:

NM_000048.4(ASL):c.1242G>T (p.Gln414His)

Gene: ASL (argininosuccinate lyase; plus strand). Cytogenetic location: 7q11.21.
Variant type: single nucleotide variant.
Coding change: c.1242G>T on transcript NM_000048.4 (MANE Select); coding-DNA position 1242, G replaced by T.
Protein change: p.Gln414His; replaces glutamine 414 with histidine.
Molecular consequence: missense variant.
Genome position (GRCh38, 1-based): chr7:66,092,655, G>T. VCF-style: chr7-66092655-G-T. GRCh37 (hg19) VCF-style: chr7-65557642-G-T.
Other names: p.Gln414His; c.1242G>T, p.Gln414His (NM_001024943.2); c.1182G>T, p.Gln394His (NM_001024944.2); c.1164G>T, p.Gln388His (NM_001024946.2); short protein forms Q394H, Q414H, Q388H.
Identifiers: ClinVar variation 4541293 (VCV004541293.1).

ClinVar aggregate classification (germline): Uncertain significance (1 of 4 stars; one submission).

gnomAD v4.1: 15 of 1,613,614 alleles (0.00093%); highest among the groups gnomAD compares: African/African-American, 0.0013%; no homozygotes.

Submission:

Mayo Clinic Laboratories, Mayo Clinic
Classification: Uncertain significance. Last evaluated: 2025-05-27. Review status: criteria provided, single submitter. Criteria: ACMG Guidelines, 2015. Collection method: clinical testing. Allele origin: germline. Observed: 1 variant allele.
Comment: PM2_supporting